The following is an entry in ClinVar:

NM_006206.6(PDGFRA):c.370C>T (p.Pro124Ser)

Gene: PDGFRA (platelet derived growth factor receptor alpha; plus strand). Cytogenetic location: 4q12.
Variant type: single nucleotide variant.
Coding change: c.370C>T on transcript NM_006206.6 (MANE Select); coding-DNA position 370, C replaced by T.
Protein change: p.Pro124Ser; replaces proline 124 with serine.
Molecular consequence: missense variant.
Genome position (GRCh38, 1-based): chr4:54,263,669, C>T. VCF-style: chr4-54263669-C-T. GRCh37 (hg19) VCF-style: chr4-55129836-C-T.
Other names: c.370C>T, p.Pro124Ser (NM_001347827.2, NM_001347829.2); c.445C>T, p.Pro149Ser (NM_001347828.2); c.409C>T, p.Pro137Ser (NM_001347830.2); short protein forms P124S, P137S, P149S.
Identifiers: ClinVar variation 2826019 (VCV002826019.3), dbSNP rs2110250411, ClinGen allele CA356889586.

ClinVar aggregate classification (germline): Uncertain significance (1 of 4 stars; one submission).

Conditions:
Gastrointestinal stromal tumor. Also called: Gastrointestinal stromal tumor, somatic; Gastrointestinal stroma tumor. Identifiers: Orphanet 44890, MedGen C0238198, MeSH D046152, MONDO:0011719, OMIM 606764, HP:0100723.

Submission:

Labcorp Genetics (formerly Invitae), Labcorp
Classification: Uncertain significance for Gastrointestinal stromal tumor. Last evaluated: 2024-03-10. Review status: criteria provided, single submitter. Criteria: Invitae Variant Classification Sherloc (09022015). Collection method: clinical testing. Allele origin: germline.
Comment: This sequence change replaces proline, which is neutral and non-polar, with serine, which is neutral and polar, at codon 124 of the PDGFRA protein (p.Pro124Ser). This variant is not present in population databases (gnomAD no frequency). This variant has not been reported in the literature in individuals affected with PDGFRA-related conditions. An algorithm developed to predict the effect of missense changes on protein structure and function (PolyPhen-2) suggests that this variant is likely to be tolerated. Algorithms developed to predict the effect of sequence changes on RNA splicing suggest that this variant may create or strengthen a splice site. In summary, the available evidence is currently insufficient to determine the role of this variant in disease. Therefore, it has been classified as a Variant of Uncertain Significance.